The following is an entry in ClinVar:

NM_015631.6(TCTN3):c.736G>A (p.Gly246Ser)

Gene: TCTN3 (tectonic family member 3; minus strand). Cytogenetic location: 10q24.1.
Variant type: single nucleotide variant.
Coding change: c.736G>A on transcript NM_015631.6 (MANE Select); coding-DNA position 736, G replaced by A.
Protein change: p.Gly246Ser; replaces glycine 246 with serine.
Molecular consequence: missense variant. On other transcripts: intron variant (1).
Genome position (GRCh38, 1-based): chr10:95,687,247, C>T on the plus strand (G>A on the coding strand, the complement: TCTN3 is on the minus strand). VCF-style: chr10-95687247-C-T. GRCh37 (hg19) VCF-style: chr10-97447004-C-T.
Other names: c.736G>A, p.Gly246Ser (NM_001410982.1); c.500-88G>A (NM_001143973.2); short protein forms G246S.
Identifiers: ClinVar variation 3907619 (VCV003907619.1).
Genomic context (GRCh38, chr10:95,687,247, plus strand): 5'-TAAATGAGAAAGCCTGTTTTAAATTGAATGAAAAGGTTGGTACTTTTGCTCTGGATTCAC[C>T]TGCAGGATTGCTTTCAGCACAGAGTCCCCCAGCTCCAACTCCTGCAGGTTGTCTCAGCAA-3'
Protein context (NP_056446.4, residues 236-256): GGLCAESNPA[Gly246Ser]FLESKSTTCT

ClinVar aggregate classification (germline): Uncertain significance (1 of 4 stars; one submission).

gnomAD v4.1: 1 of 1,613,708 alleles (0.000062%); highest among the groups gnomAD compares: African/African-American, 0.0013%; no homozygotes.

Submission:

Women's Health and Genetics/Laboratory Corporation of America, LabCorp
Classification: Uncertain significance. Last evaluated: 2025-06-20. Review status: criteria provided, single submitter. Criteria: LabCorp Variant Classification Summary - May 2015. Collection method: clinical testing. Allele origin: germline.
Comment: Variant summary: TCTN3 c.736G>A (p.Gly246Ser) results in a non-conservative amino acid change in the encoded protein sequence adjacent to the canonical 5' splice donor site. Algorithms developed to predict the effect of missense changes on protein structure and function are either unavailable or do not agree on the potential impact of this missense change. Several computational tools predict a significant impact on normal splicing: Four predict the variant abolishes or weakens a 5' splicing donor site. However, these predictions have yet to be confirmed by functional studies. The variant was absent in 250812 control chromosomes. The available data on variant occurrences in the general population are insufficient to allow any conclusion about variant significance. To our knowledge, no occurrence of c.736G>A in individuals affected with Joubert Syndrome And Related Disorders and no experimental evidence demonstrating its impact on protein function have been reported. No submitters have cited clinical-significance assessments for this variant to ClinVar. Based on the evidence outlined above, the variant was classified as uncertain significance.